The following is an entry in ClinVar:

ClinVar aggregate classification (germline): Pathogenic (1 of 4 stars; one submission).

Conditions:
Predisposition to invasive fungal disease due to CARD9 deficiency (IMD103). Also called: Candidiasis, familial, 2, autosomal recessive; CARD9 IMMUNODEFICIENCY; IMMUNODEFICIENCY 103, SUSCEPTIBILITY TO FUNGAL INFECTIONS. Identifiers: Orphanet 457088, MedGen C1859353, MONDO:0008905, OMIM 212050.

Submission:

Labcorp Genetics (formerly Invitae), Labcorp
Classification: Pathogenic for Predisposition to invasive fungal disease due to CARD9 deficiency. Last evaluated: 2023-06-03. Review status: criteria provided, single submitter. Criteria: Invitae Variant Classification Sherloc (09022015). Collection method: clinical testing. Allele origin: germline.
Comment: For these reasons, this variant has been classified as Pathogenic. This variant has not been reported in the literature in individuals affected with CARD9-related conditions. This variant is not present in population databases (gnomAD no frequency). This sequence change creates a premature translational stop signal (p.Gln69*) in the CARD9 gene. It is expected to result in an absent or disrupted protein product. Loss-of-function variants in CARD9 are known to be pathogenic (PMID: 19864672, 24131138, 24231284).

Literature cited by the submitters: PubMed 19864672; PubMed 24131138; PubMed 24231284.

NM_052813.5(CARD9):c.205C>T (p.Gln69Ter)

Gene: CARD9 (caspase recruitment domain family member 9; minus strand). Cytogenetic location: 9q34.3.
Variant type: single nucleotide variant.
Coding change: c.205C>T on transcript NM_052813.5 (MANE Select); coding-DNA position 205, C replaced by T.
Protein change: p.Gln69Ter; replaces glutamine 69 with a stop codon.
Molecular consequence: nonsense.
Genome position (GRCh38, 1-based): chr9:136,371,441, G>A on the plus strand (C>T on the coding strand, the complement: CARD9 is on the minus strand). VCF-style: chr9-136371441-G-A. GRCh37 (hg19) VCF-style: chr9-139265893-G-A.
Other names: c.205C>T, p.Gln69Ter (NM_052814.4); short protein forms Q69*.
Identifiers: ClinVar variation 2779176 (VCV002779176.3), dbSNP rs1310355874, ClinGen allele CA375546179.